The following is an entry in ClinVar:

NM_198994.3(TGM6):c.1456C>T (p.Leu486Phe)

Gene: TGM6 (transglutaminase 6; plus strand). Cytogenetic location: 20p13.
Variant type: single nucleotide variant.
Coding change: c.1456C>T on transcript NM_198994.3 (MANE Select); coding-DNA position 1456, C replaced by T.
Protein change: p.Leu486Phe; replaces leucine 486 with phenylalanine.
Molecular consequence: missense variant.
Genome position (GRCh38, 1-based): chr20:2,417,351, C>T. VCF-style: chr20-2417351-C-T. GRCh37 (hg19) VCF-style: chr20-2397997-C-T.
Other names: c.1456C>T, p.Leu486Phe (NM_001254734.2); short protein forms L486F.
Identifiers: ClinVar variation 2882506 (VCV002882506.3), dbSNP rs1436541251, ClinGen allele CA408015132.

ClinVar aggregate classification (germline): Uncertain significance (1 of 4 stars; one submission).

Allele frequency attached by ClinVar (database versions not stated): gnomAD exomes below 0.00001; gnomAD 0.00001.
gnomAD v4.1: 3 of 1,613,784 alleles (0.00019%); highest among the groups gnomAD compares: Non-Finnish European, 0.00025%; no homozygotes.

Submission:

Labcorp Genetics (formerly Invitae), Labcorp
Classification: Uncertain significance. Last evaluated: 2023-08-29. Review status: criteria provided, single submitter. Criteria: Invitae Variant Classification Sherloc (09022015). Collection method: clinical testing. Allele origin: germline.
Comment: In summary, the available evidence is currently insufficient to determine the role of this variant in disease. Therefore, it has been classified as a Variant of Uncertain Significance. This sequence change replaces leucine, which is neutral and non-polar, with phenylalanine, which is neutral and non-polar, at codon 486 of the TGM6 protein (p.Leu486Phe). This variant is not present in population databases (gnomAD no frequency). This variant has not been reported in the literature in individuals affected with TGM6-related conditions. Advanced modeling of protein sequence and biophysical properties (such as structural, functional, and spatial information, amino acid conservation, physicochemical variation, residue mobility, and thermodynamic stability) performed at Invitae indicates that this missense variant is not expected to disrupt TGM6 protein function.